The following is an entry in ClinVar:

ClinVar aggregate classification (germline): Likely benign (1 of 4 stars; one submission).

Allele frequency attached by ClinVar (database versions not stated): 1000 Genomes Project 0.00379; gnomAD 0.00385 and 0.00420; 1000 Genomes Project 30x 0.00390; TOPMed 0.00412.
gnomAD v4.1: 1,246 of 1,594,392 alleles (0.078%); highest among the groups gnomAD compares: African/African-American, 1.3%; 10 homozygotes.

Submission:

GeneDx
Classification: Likely benign. Last evaluated: 2018-06-16. Review status: criteria provided, single submitter. Criteria: GeneDx Variant Classification (06012015). Collection method: clinical testing. Allele origin: germline. Affected: yes.
Comment: This variant is considered likely benign or benign based on one or more of the following criteria: it is a conservative change, it occurs at a poorly conserved position in the protein, it is predicted to be benign by multiple in silico algorithms, and/or has population frequency not consistent with disease.

NM_201384.3(PLEC):c.1169+85C>T

Genes: PLEC (plectin; minus strand), LOC130001335 (ATAC-STARR-seq lymphoblastoid silent region 19629; plus strand). Cytogenetic location: 8q24.3.
Variant type: single nucleotide variant.
Coding change: c.1169+85C>T on transcript NM_201384.3 (MANE Select); 85 bases into the intron after coding-DNA position 1169, C replaced by T.
Molecular consequence: intron variant.
Genome position (GRCh38, 1-based): chr8:143,934,233, G>A on the plus strand (C>T on the coding strand, the complement: PLEC is on the minus strand). VCF-style: chr8-143934233-G-A. GRCh37 (hg19) VCF-style: chr8-145008401-G-A.
Other names: c.1250+85C>T (NM_000445.5); c.1127+85C>T (NM_201378.4); c.1103+85C>T (NM_201379.3); c.1580+85C>T (NM_201380.4); c.1073+85C>T (NM_201381.3); c.1169+85C>T (NM_201382.4); c.1181+85C>T (NM_201383.3).
Identifiers: ClinVar variation 679476 (VCV000679476.1), dbSNP rs114576360, ClinGen allele CA187623042.
Genomic context (GRCh38, chr8:143,934,233, plus strand): 5'-CCGGTCTCCCTGGCTGTGGCCCACTGTCCTAAGGCGAGTGGGAGCTTGGGTTCCCCCGCC[G>A]GGGGCGGGGCGGGGAGGGGGGTTTCCTTCCCAGGCAGTGACACACCCTCGGGTGGTTCCC-3'